The following is an entry in ClinVar:

NM_000268.4(NF2):c.548T>A (p.Met183Lys)

Gene: NF2 (NF2, moesin-ezrin-radixin like (MERLIN) tumor suppressor; plus strand). Cytogenetic location: 22q12.2.
Variant type: single nucleotide variant.
Coding change: c.548T>A on transcript NM_000268.4 (MANE Select); coding-DNA position 548, T replaced by A.
Protein change: p.Met183Lys; replaces methionine 183 with lysine.
Molecular consequence: missense variant. On other transcripts: intron variant (1).
Genome position (GRCh38, 1-based): chr22:29,655,625, T>A. VCF-style: chr22-29655625-T-A. GRCh37 (hg19) VCF-style: chr22-30051614-T-A.
Other names: c.434T>A, p.Met145Lys (NM_001407053.1, NM_001407056.1); c.425T>A, p.Met142Lys (NM_001407054.1, NM_001407058.1, NM_001407062.1 and 1 more transcripts); c.422T>A, p.Met141Lys (NM_001407055.1, NM_181828.3); c.548T>A, p.Met183Lys (NM_001407057.1, NM_001407059.1, NM_001407060.1 and 4 more transcripts); c.299T>A, p.Met100Lys (NM_001407063.1, NM_001407064.1, NM_181830.3 and 1 more transcripts); c.14T>A, p.Met5Lys (NM_001407065.1); c.317T>A, p.Met106Lys (NM_001407067.1); c.447+13340T>A (NM_181833.3); short protein forms M100K, M141K, M142K, M145K, M183K, M5K, M106K.
Identifiers: ClinVar variation 3405012 (VCV003405012.1).

ClinVar aggregate classification (germline): Uncertain significance (1 of 4 stars; one submission).

Conditions:
Hereditary cancer-predisposing syndrome. Also called: Neoplastic Syndromes, Hereditary; Tumor predisposition; Hereditary Cancer Syndrome; Hereditary neoplastic syndrome. Identifiers: Orphanet 140162, MedGen C0027672, MeSH D009386, MONDO:0015356.

Submission:

Ambry Genetics
Classification: Uncertain significance for Hereditary cancer-predisposing syndrome. Last evaluated: 2024-10-15. Review status: criteria provided, single submitter. Criteria: Ambry Variant Classification Scheme 2023. Collection method: clinical testing. Allele origin: germline.
Comment: The p.M183K variant (also known as c.548T>A), located in coding exon 6 of the NF2 gene, results from a T to A substitution at nucleotide position 548. The methionine at codon 183 is replaced by lysine, an amino acid with similar properties. This amino acid position is conserved. In addition, this alteration is predicted to be deleterious by in silico analysis. Based on the available evidence, the clinical significance of this variant remains unclear.